The following is an entry in ClinVar:

ClinVar aggregate classification (germline): Uncertain significance. Review status: criteria provided, multiple submitters, no conflicts (2 of 4 stars). 2 submissions from 2 submitters: Uncertain significance (2). Last evaluated 2024-10-05.

Conditions:
Hereditary cancer-predisposing syndrome. Also called: Tumor predisposition; Hereditary neoplastic syndrome; Neoplastic Syndromes, Hereditary; Hereditary Cancer Syndrome. Identifiers: Orphanet 140162, MedGen C0027672, MeSH D009386, MONDO:0015356.

Submissions (2):

Ambry Genetics
Classification: Uncertain significance for Hereditary cancer-predisposing syndrome. Last evaluated: 2024-10-05. Review status: criteria provided, single submitter. Criteria: Ambry Variant Classification Scheme 2023. Collection method: clinical testing. Allele origin: germline.
Comment: The p.I1564V variant (also known as c.4690A>G), located in coding exon 36 of the POLE gene, results from an A to G substitution at nucleotide position 4690. The isoleucine at codon 1564 is replaced by valine, an amino acid with highly similar properties. This amino acid position is conserved. In addition, this alteration is predicted to be tolerated by in silico analysis. Based on the available evidence, the clinical significance of this variant remains unclear.

Labcorp Genetics (formerly Invitae), Labcorp
Classification: Uncertain significance. Last evaluated: 2023-08-23. Review status: criteria provided, single submitter. Criteria: Invitae Variant Classification Sherloc (09022015). Collection method: clinical testing. Allele origin: germline.
Comment: This variant is not present in population databases (gnomAD no frequency). In summary, the available evidence is currently insufficient to determine the role of this variant in disease. Therefore, it has been classified as a Variant of Uncertain Significance. Advanced modeling of protein sequence and biophysical properties (such as structural, functional, and spatial information, amino acid conservation, physicochemical variation, residue mobility, and thermodynamic stability) performed at Invitae indicates that this missense variant is not expected to disrupt POLE protein function. ClinVar contains an entry for this variant (Variation ID: 951584). This variant has not been reported in the literature in individuals affected with POLE-related conditions. This sequence change replaces isoleucine, which is neutral and non-polar, with valine, which is neutral and non-polar, at codon 1564 of the POLE protein (p.Ile1564Val).

NM_006231.4(POLE):c.4690A>G (p.Ile1564Val)

Gene: POLE (DNA polymerase epsilon, catalytic subunit; minus strand). Cytogenetic location: 12q24.33.
Variant type: single nucleotide variant.
Coding change: c.4690A>G on transcript NM_006231.4 (MANE Select); coding-DNA position 4690, A replaced by G.
Protein change: p.Ile1564Val; replaces isoleucine 1564 with valine.
Molecular consequence: missense variant.
Genome position (GRCh38, 1-based): chr12:132,642,858, T>C on the plus strand (A>G on the coding strand, the complement: POLE is on the minus strand). VCF-style: chr12-132642858-T-C. GRCh37 (hg19) VCF-style: chr12-133219444-T-C.
Other names: c.4690A>G (NM_006231.2); short protein forms I1564V.
Identifiers: ClinVar variation 951584 (VCV000951584.8), dbSNP rs2042181785, ClinGen allele CA387378784.
Genomic context (GRCh38, chr12:132,642,858, plus strand): 5'-GCAAGACCCCAACCACTCTCACCTTGTAGGCGAGCAGGAATCGCTGGATGGCTCTGCAGA[T>C]GGTCTTCAGGTCAGTTTCTGCCCGAACTTCGAAGGTGTGTTTGGGGGGTGGCAGGAGCTC-3'
Protein context (NP_006222.2, residues 1554-1574): EVRAETDLKT[Ile1564Val]CRAIQRFLLA